The following is an entry in ClinVar:

ClinVar aggregate classification (germline): Uncertain significance (1 of 4 stars; one submission).

Allele frequency attached by ClinVar (database versions not stated): TOPMed 0.00001; gnomAD exomes 0.00002; ExAC 0.00005.

Submission:

Labcorp Genetics (formerly Invitae), Labcorp
Classification: Uncertain significance. Last evaluated: 2022-05-04. Review status: criteria provided, single submitter. Criteria: Invitae Variant Classification Sherloc (09022015). Collection method: clinical testing. Allele origin: germline.
Comment: This sequence change replaces threonine, which is neutral and polar, with isoleucine, which is neutral and non-polar, at codon 95 of the PTPN23 protein (p.Thr95Ile). This variant is present in population databases (rs767706342, gnomAD 0.04%). This variant has not been reported in the literature in individuals affected with PTPN23-related conditions. Algorithms developed to predict the effect of missense changes on protein structure and function are either unavailable or do not agree on the potential impact of this missense change (SIFT: "Deleterious"; PolyPhen-2: "Not Available"; Align-GVGD: "Class C0"). In summary, the available evidence is currently insufficient to determine the role of this variant in disease. Therefore, it has been classified as a Variant of Uncertain Significance.

NM_015466.4(PTPN23):c.284C>T (p.Thr95Ile)

Gene: PTPN23 (protein tyrosine phosphatase non-receptor type 23; plus strand). Cytogenetic location: 3p21.31.
Variant type: single nucleotide variant.
Coding change: c.284C>T on transcript NM_015466.4 (MANE Select); coding-DNA position 284, C replaced by T.
Protein change: p.Thr95Ile; replaces threonine 95 with isoleucine.
Molecular consequence: missense variant. On other transcripts: intron variant (1).
Genome position (GRCh38, 1-based): chr3:47,404,776, C>T. VCF-style: chr3-47404776-C-T. GRCh37 (hg19) VCF-style: chr3-47446266-C-T.
Other names: c.-91-229C>T (NM_001304482.2); short protein forms T95I.
Identifiers: ClinVar variation 2418247 (VCV002418247.3), dbSNP rs767706342, ClinGen allele CA2365260.